The following is an entry in ClinVar:

ClinVar aggregate classification (germline): Uncertain significance. Review status: criteria provided, multiple submitters, no conflicts (2 of 4 stars). 2 submissions from 2 submitters: Uncertain significance (2). Last evaluated 2026-06-30.

Conditions:
Tuberous sclerosis 2 (TSC2). Identifiers: Orphanet 805, MedGen C1860707, MONDO:0013199, OMIM 613254.
Hereditary cancer-predisposing syndrome. Also called: Tumor predisposition; Hereditary neoplastic syndrome; Neoplastic Syndromes, Hereditary; Hereditary Cancer Syndrome. Identifiers: Orphanet 140162, MedGen C0027672, MeSH D009386, MONDO:0015356.

Allele frequency attached by ClinVar (database versions not stated): gnomAD exomes below 0.00001.
gnomAD v4.1: 1 of 1,607,826 alleles (0.000062%); highest among the groups gnomAD compares: East Asian, 0.0022%; no homozygotes.

Submissions (2):

Ambry Genetics
Classification: Uncertain significance for Hereditary cancer-predisposing syndrome. Last evaluated: 2026-06-30. Review status: criteria provided, single submitter. Criteria: Ambry Variant Classification Scheme 2023. Collection method: clinical testing. Allele origin: germline.
Comment: The p.Y1650F variant (also known as c.4949A>T), located in coding exon 37 of the TSC2 gene, results from an A to T substitution at nucleotide position 4949. The tyrosine at codon 1650 is replaced by phenylalanine, an amino acid with highly similar properties. This amino acid position is highly conserved in available vertebrate species. In addition, the in silico prediction for this alteration is inconclusive. Based on the available evidence, the clinical significance of this variant remains unclear.

Labcorp Genetics (formerly Invitae), Labcorp
Classification: Uncertain significance for Tuberous sclerosis 2. Last evaluated: 2024-11-13. Review status: criteria provided, single submitter. Criteria: Invitae Variant Classification Sherloc (09022015). Collection method: clinical testing. Allele origin: germline.
Comment: This sequence change replaces tyrosine, which is neutral and polar, with phenylalanine, which is neutral and non-polar, at codon 1650 of the TSC2 protein (p.Tyr1650Phe). This variant is not present in population databases (gnomAD no frequency). This variant has not been reported in the literature in individuals affected with TSC2-related conditions. ClinVar contains an entry for this variant (Variation ID: 851323). Invitae Evidence Modeling of protein sequence and biophysical properties (such as structural, functional, and spatial information, amino acid conservation, physicochemical variation, residue mobility, and thermodynamic stability) indicates that this missense variant is not expected to disrupt TSC2 protein function with a negative predictive value of 95%. In summary, the available evidence is currently insufficient to determine the role of this variant in disease. Therefore, it has been classified as a Variant of Uncertain Significance.

NM_000548.5(TSC2):c.4949A>T (p.Tyr1650Phe)

Gene: TSC2 (TSC complex subunit 2; plus strand). Cytogenetic location: 16p13.3.
Variant type: single nucleotide variant.
Coding change: c.4949A>T on transcript NM_000548.5 (MANE Select); coding-DNA position 4949, A replaced by T.
Protein change: p.Tyr1650Phe; replaces tyrosine 1650 with phenylalanine.
Molecular consequence: missense variant.
Genome position (GRCh38, 1-based): chr16:2,086,831, A>T. VCF-style: chr16-2086831-A-T. GRCh37 (hg19) VCF-style: chr16-2136832-A-T.
Other names: c.4748A>T, p.Tyr1583Phe (NM_001077183.3); c.4880A>T, p.Tyr1627Phe (NM_001114382.3); c.4640A>T, p.Tyr1547Phe (NM_001318827.2); c.4604A>T, p.Tyr1535Phe (NM_001318829.2); c.4217A>T, p.Tyr1406Phe (NM_001318831.2); c.4781A>T, p.Tyr1594Phe (NM_001318832.2); c.4751A>T, p.Tyr1584Phe (NM_001363528.2); c.4817A>T, p.Tyr1606Phe (NM_001370404.1); and 1 more; short protein forms Y1406F, Y1535F, Y1594F, Y1606F, Y1547F, Y1583F, Y1584F, Y1627F.
Identifiers: ClinVar variation 851323 (VCV000851323.10), dbSNP rs45501091, ClinGen allele CA394308830.